The following is an entry in ClinVar:

NM_138694.4(PKHD1):c.2278C>T (p.Arg760Cys)

Gene: PKHD1 (PKHD1 ciliary IPT domain containing fibrocystin/polyductin; minus strand). Cytogenetic location: 6p12.2.
Variant type: single nucleotide variant.
Coding change: c.2278C>T on transcript NM_138694.4 (MANE Select); coding-DNA position 2278, C replaced by T.
Protein change: p.Arg760Cys; replaces arginine 760 with cysteine.
Molecular consequence: missense variant.
Genome position (GRCh38, 1-based): chr6:52,050,158, G>A on the plus strand (C>T on the coding strand, the complement: PKHD1 is on the minus strand). VCF-style: chr6-52050158-G-A. GRCh37 (hg19) VCF-style: chr6-51914956-G-A.
Other names: c.2278C>T, p.Arg760Cys (NM_170724.3); short protein forms R760C.
Identifiers: ClinVar variation 96386 (VCV000096386.36), dbSNP rs9370096, ClinGen allele CA149502.
Genomic context (GRCh38, chr6:52,050,158, plus strand): 5'-CCTCAAGGCCAACAAGCATTCTTAGGAGAAGGGACAGGTGTAAAAAAGCCACTCCTTACC[G>A]TGCAGTGATGAGCGGGAGCTCCGTGCCACACCCCGCCAGCCAGGAGGTGACACTGTAGAC-3'
Protein context (NP_619639.3, residues 750-770): CGTELPLITA[Arg760Cys]SVPTEGTEEG

ClinVar aggregate classification (germline): Benign. Review status: criteria provided, multiple submitters, no conflicts (2 of 4 stars). 11 submissions from 11 submitters: Benign (9). 2 of the submissions do not count toward it. Last evaluated 2026-02-04.

Conditions:
Polycystic kidney disease 4 (PKD4). Also called: POLYCYSTIC KIDNEY AND HEPATIC DISEASE 1; POLYCYSTIC KIDNEY DISEASE, INFANTILE, TYPE I; POLYCYSTIC KIDNEY DISEASE 4 WITH OR WITHOUT POLYCYSTIC LIVER DISEASE; Autosomal Recessive Polycystic Kidney Disease – PKHD1; PKD3. Identifiers: MedGen C4540575, MONDO:0033004, OMIM 263200.
Autosomal recessive polycystic kidney disease (ARPKD). Also called: AR polycystic kidney disease. Identifiers: Orphanet 731, Orphanet 8378, MedGen C0085548, MeSH D017044, MONDO:0009889.
Polycystic kidney disease. Also called: Polycystic kidney dysplasia; Kidney, Polycystic. Identifiers: MedGen C0022680, MeSH D007690, MONDO:0020642, HP:0000113.

Allele frequency attached by ClinVar (database versions not stated): TOPMed 0.40960; ExAC 0.46521; 1000 Genomes Project 30x 0.35431; gnomAD 0.41404; 1000 Genomes Project 0.35583; ESP Exome Variant Server 0.38867; gnomAD exomes 0.47603.
gnomAD v4.1: 794,916 of 1,613,046 alleles (49%); highest among the groups gnomAD compares: Admixed American, 62%; 203,806 homozygotes.

Submissions (11):

Labcorp Genetics (formerly Invitae), Labcorp
Classification: Benign for Autosomal recessive polycystic kidney disease. Last evaluated: 2026-02-04. Review status: criteria provided, single submitter. Criteria: Invitae Variant Classification Sherloc (09022015). Collection method: clinical testing. Allele origin: germline.

Blueprint Genetics
Classification: Benign. Last evaluated: 2024-11-27. Review status: criteria provided, single submitter. Criteria: ACMG Guidelines, 2015. Collection method: clinical testing. Allele origin: germline.

Mayo Clinic Laboratories, Mayo Clinic
Classification: Benign. Last evaluated: 2022-03-09. Review status: criteria provided, single submitter. Criteria: ACMG Guidelines, 2015. Collection method: clinical testing. Allele origin: germline. Observed: 527 variant alleles.

Genome-Nilou Lab
Classification: Benign for Polycystic kidney disease 4. Last evaluated: 2021-09-05. Review status: criteria provided, single submitter. Criteria: ACMG Guidelines, 2015. Collection method: clinical testing. Allele origin: germline. Affected: no.

Pars Genome Lab
Classification: Benign for Polycystic kidney disease 4. Last evaluated: 2021-06-19. Review status: criteria provided, single submitter. Criteria: ACMG Guidelines, 2015. Collection method: clinical testing. Allele origin: germline. Affected: no.

GeneDx
Classification: Benign. Last evaluated: 2019-08-22. Review status: criteria provided, single submitter. Criteria: GeneDx Variant Classification Process June 2021. Collection method: clinical testing. Allele origin: germline. Affected: yes.

Illumina Laboratory Services, Illumina
Classification: Benign for Polycystic kidney disease 4. Last evaluated: 2018-01-13. Review status: criteria provided, single submitter. Criteria: ICSL Variant Classification Criteria 13 December 2019. Collection method: clinical testing. Allele origin: germline.
Comment: This variant was observed in the ICSL laboratory as part of a predisposition screen in an ostensibly healthy population. It had not been previously curated by ICSL or reported in the Human Gene Mutation Database (HGMD: prior to June 1st, 2018), and was therefore a candidate for classification through an automated scoring system. Utilizing variant allele frequency, disease prevalence and penetrance estimates, and inheritance mode, an automated score was calculated to assess if this variant is too frequent to cause the disease. Based on the score and internal cut-off values, a variant classified as benign is not then subjected to further curation. The score for this variant resulted in a classification of benign for this disease.

Eurofins Ntd Llc (ga)
Classification: Benign. Last evaluated: 2015-10-27. Review status: criteria provided, single submitter. Criteria: EGL Classification Definitions 2015. Collection method: clinical testing. Allele origin: germline. Observed: 122 variant alleles, 82 heterozygotes, 40 homozygotes.

PreventionGenetics, part of Exact Sciences
Classification: Benign. Review status: criteria provided, single submitter. Criteria: ACMG Guidelines, 2015. Collection method: clinical testing. Allele origin: germline.

Natera, Inc.
Classification: Benign for Autosomal recessive polycystic kidney disease. Last evaluated: 2017-05-11. Review status: no assertion criteria provided. Collection method: clinical testing. Allele origin: germline. Not counted in ClinVar's aggregate classification.

Department of Pathology and Laboratory Medicine, Sinai Health System
Classification: Benign for Polycystic Kidney disease. Review status: no assertion criteria provided. Collection method: clinical testing. Allele origin: unknown. Affected: yes. Study: The Canadian Open Genetics Repository (COGR). Not counted in ClinVar's aggregate classification.
Comment: The c.2278C>T, p.Arg760Cys variant was identified in 46.52% of 56329 control alleles in the Exome Aggregation Consortium (March 14, 2016). According to ACMG guidelines for variant classification based on allele frequency, category BA1, this variant is considered benign and has not been further reviewed (Richards 2015).